The following is an entry in ClinVar:

NM_001429.4(EP300):c.451A>G (p.Thr151Ala)

Gene: EP300 (EP300 lysine acetyltransferase; plus strand). Cytogenetic location: 22q13.2.
Variant type: single nucleotide variant.
Coding change: c.451A>G on transcript NM_001429.4 (MANE Select); coding-DNA position 451, A replaced by G.
Protein change: p.Thr151Ala; replaces threonine 151 with alanine.
Molecular consequence: missense variant.
Genome position (GRCh38, 1-based): chr22:41,117,543, A>G. VCF-style: chr22-41117543-A-G. GRCh37 (hg19) VCF-style: chr22-41513547-A-G.
Other names: c.451A>G, p.Thr151Ala (NM_001362843.2); short protein forms T151A.
Identifiers: ClinVar variation 1195127 (VCV001195127.4), dbSNP rs780440242, ClinGen allele CA10252253.

ClinVar aggregate classification (germline): Conflicting classifications of pathogenicity. Review status: criteria provided, conflicting classifications (1 of 4 stars). 3 submissions from 3 submitters: Uncertain significance (1); Likely benign (2). Last evaluated 2026-07-30.

Conditions:
EP300-related disorder. Also called: EP300-related condition; EP300-related disorders.

Allele frequency attached by ClinVar (database versions not stated): ExAC 0.00001; gnomAD 0.00001; gnomAD exomes 0.00002 and 0.00003; TOPMed 0.00003.
gnomAD v4.1: 39 of 1,614,288 alleles (0.0024%); highest among the groups gnomAD compares: Non-Finnish European, 0.0029%; no homozygotes.

Submissions (3):

PreventionGenetics, part of Exact Sciences
Classification: Uncertain significance for EP300-related condition. Last evaluated: 2026-07-30. Review status: criteria provided, single submitter. Criteria: ACMG Guidelines, 2015. Collection method: clinical testing. Allele origin: germline.
Comment: The EP300 c.451A>G variant is predicted to result in the amino acid substitution p.Thr151Ala. To our knowledge, this variant has not been reported in the literature. This variant is reported in 0.0054% of alleles in individuals of European (Non-Finnish) descent in gnomAD. Although we suspect that this variant may be benign, at this time, the clinical significance of this variant is uncertain due to the absence of conclusive functional and genetic evidence.

Blueprint Genetics
Classification: Likely benign. Last evaluated: 2022-11-25. Review status: criteria provided, single submitter. Criteria: ACMG Guidelines, 2015. Collection method: clinical testing. Allele origin: germline.

GeneDx
Classification: Likely benign. Last evaluated: 2021-05-21. Review status: criteria provided, single submitter. Criteria: GeneDx Variant Classification Process June 2021. Collection method: clinical testing. Allele origin: germline. Affected: yes.